The following is an entry in ClinVar:

ClinVar aggregate classification (germline): Uncertain significance (1 of 4 stars; one submission).

Submission:

Labcorp Genetics (formerly Invitae), Labcorp
Classification: Uncertain significance. Last evaluated: 2022-08-23. Review status: criteria provided, single submitter. Criteria: Invitae Variant Classification Sherloc (09022015). Collection method: clinical testing. Allele origin: germline.
Comment: In summary, the available evidence is currently insufficient to determine the role of this variant in disease. Therefore, it has been classified as a Variant of Uncertain Significance. This variant has not been reported in the literature in individuals affected with PDE6C-related conditions. This variant results in a copy number gain of the genomic region encompassing exon(s) 20-22 of the PDE6C gene. This region includes the termination codon of the gene. This copy number gain extends beyond the assayed region for this gene and therefore may encompass additional genes. As the precise location of this event is unknown, it may be in tandem or it may be located elsewhere in the genome.

NC_000010.10:g.(?_95422297)_(95425175_?)dup

Gene: PDE6C (phosphodiesterase 6C; plus strand). Cytogenetic location: 10q23.33.
Variant type: Duplication.
Identifiers: ClinVar variation 2425525 (VCV002425525.3).